The following is an entry in ClinVar:

NM_001358530.2(MOCS1):c.937G>A (p.Gly313Arg)

Gene: MOCS1 (molybdenum cofactor synthesis 1; minus strand). Cytogenetic location: 6p21.2.
Variant type: single nucleotide variant.
Coding change: c.937G>A on transcript NM_001358530.2 (MANE Select); coding-DNA position 937, G replaced by A.
Protein change: p.Gly313Arg; replaces glycine 313 with arginine.
Molecular consequence: missense variant. On other transcripts: non-coding transcript variant (1).
Genome position (GRCh38, 1-based): chr6:39,912,308, C>T on the plus strand (G>A on the coding strand, the complement: MOCS1 is on the minus strand). VCF-style: chr6-39912308-C-T. GRCh37 (hg19) VCF-style: chr6-39880052-C-T.
Other names: c.937G>A, p.Gly313Arg (NM_001075098.4, NM_001358529.2, NM_005943.6); c.676G>A, p.Gly226Arg (NM_001358531.2, NM_001358533.2, NM_001358534.2); c.937G>A (NM_005943.5); short protein forms G313R, G226R.
Identifiers: ClinVar variation 1046172 (VCV001046172.7), dbSNP rs370710723, ClinGen allele CA3796109.

ClinVar aggregate classification (germline): Uncertain significance. Review status: criteria provided, multiple submitters, no conflicts (2 of 4 stars). 2 submissions from 2 submitters: Uncertain significance (2). Last evaluated 2024-10-03.

Conditions:
Sulfite oxidase deficiency due to molybdenum cofactor deficiency type A. Also called: Molybdenum cofactor deficiency, complementation group A; Molybdenum Cofactor Deficiency A. Identifiers: Orphanet 308386, Orphanet 833, MedGen C1854988, MONDO:0009643, OMIM 252150.

Allele frequency attached by ClinVar (database versions not stated): gnomAD exomes below 0.00001; ExAC 0.00001; TOPMed 0.00004; gnomAD 0.00007 and 0.00008; ESP Exome Variant Server 0.00015.

Submissions (2):

GeneDx
Classification: Uncertain significance. Last evaluated: 2024-10-03. Review status: criteria provided, single submitter. Criteria: GeneDx Variant Classification Process June 2021. Collection method: clinical testing. Allele origin: germline. Affected: yes.
Comment: In silico analysis supports that this missense variant has a deleterious effect on protein structure/function; In silico analysis suggests this variant may impact gene splicing. In the absence of RNA/functional studies, the actual effect of this sequence change is unknown.; Has not been previously published as pathogenic or benign to our knowledge

Labcorp Genetics (formerly Invitae), Labcorp
Classification: Uncertain significance for Sulfite oxidase deficiency due to molybdenum cofactor deficiency type A. Last evaluated: 2021-08-31. Review status: criteria provided, single submitter. Criteria: Invitae Variant Classification Sherloc (09022015). Collection method: clinical testing. Allele origin: germline.
Comment: This sequence change replaces glycine with arginine at codon 313 of the MOCS1 protein (p.Gly313Arg). The glycine residue is highly conserved and there is a moderate physicochemical difference between glycine and arginine. This variant is present in population databases (rs370710723, ExAC 0.01%). This variant has not been reported in the literature in individuals affected with MOCS1-related conditions. Algorithms developed to predict the effect of missense changes on protein structure and function are either unavailable or do not agree on the potential impact of this missense change (SIFT: "Deleterious"; PolyPhen-2: "Possibly Damaging"; Align-GVGD: "Class C15"). Algorithms developed to predict the effect of sequence changes on RNA splicing suggest that this variant may create or strengthen a splice site. In summary, the available evidence is currently insufficient to determine the role of this variant in disease. Therefore, it has been classified as a Variant of Uncertain Significance.